The following is an entry in ClinVar:

ClinVar aggregate classification (germline): Uncertain significance. Review status: criteria provided, multiple submitters, no conflicts (2 of 4 stars). 2 submissions from 2 submitters: Uncertain significance (2). Last evaluated 2023-12-11.

Conditions:
Cardiovascular phenotype. Identifiers: MedGen CN230736.
Naxos disease (NXD). Also called: WOOLLY HAIR, PALMOPLANTAR KERATODERMA, AND CARDIAC ABNORMALITIES; CARDIOMYOPATHY, ARRHYTHMOGENIC RIGHT VENTRICULAR, WITH SKIN, HAIR, AND NAIL ABNORMALITIES; PALMOPLANTAR KERATODERMA WITH ARRHYTHMOGENIC RIGHT VENTRICULAR CARDIOMYOPATHY AND WOOLLY HAIR; KERATOSIS PALMOPLANTARIS WITH ARRHYTHMOGENIC CARDIOMYOPATHY; MAL DE NAXOS. Identifiers: Orphanet 34217, MedGen C1832600, MONDO:0011017, OMIM 601214.
Arrhythmogenic right ventricular dysplasia 12. Also called: ARRHYTHMOGENIC RIGHT VENTRICULAR DYSPLASIA, FAMILIAL, 12. Identifiers: MedGen C1969081, MONDO:0012684, OMIM 611528.

Submissions (2):

Labcorp Genetics (formerly Invitae), Labcorp
Classification: Uncertain significance for Arrhythmogenic right ventricular dysplasia 12; Naxos disease. Last evaluated: 2023-12-11. Review status: criteria provided, single submitter. Criteria: Invitae Variant Classification Sherloc (09022015). Collection method: clinical testing. Allele origin: germline.
Comment: This sequence change replaces threonine, which is neutral and polar, with alanine, which is neutral and non-polar, at codon 643 of the JUP protein (p.Thr643Ala). This variant is not present in population databases (gnomAD no frequency). This variant has not been reported in the literature in individuals affected with JUP-related conditions. ClinVar contains an entry for this variant (Variation ID: 1429332). An algorithm developed to predict the effect of missense changes on protein structure and function (PolyPhen-2) suggests that this variant is likely to be tolerated. In summary, the available evidence is currently insufficient to determine the role of this variant in disease. Therefore, it has been classified as a Variant of Uncertain Significance.

Ambry Genetics
Classification: Uncertain significance for Cardiovascular phenotype. Last evaluated: 2021-04-20. Review status: criteria provided, single submitter. Criteria: Ambry Variant Classification Scheme 2023. Collection method: clinical testing. Allele origin: germline.
Comment: The p.T643A variant (also known as c.1927A>G), located in coding exon 11 of the JUP gene, results from an A to G substitution at nucleotide position 1927. The threonine at codon 643 is replaced by alanine, an amino acid with similar properties. This amino acid position is highly conserved in available vertebrate species. In addition, the in silico prediction for this alteration is inconclusive. Since supporting evidence is limited at this time, the clinical significance of this alteration remains unclear.

NM_002230.4(JUP):c.1927A>G (p.Thr643Ala)

Gene: JUP (junction plakoglobin; minus strand). Cytogenetic location: 17q21.2.
Variant type: single nucleotide variant.
Coding change: c.1927A>G on transcript NM_002230.4 (MANE Select); coding-DNA position 1927, A replaced by G.
Protein change: p.Thr643Ala; replaces threonine 643 with alanine.
Molecular consequence: missense variant.
Genome position (GRCh38, 1-based): chr17:41,757,534, T>C on the plus strand (A>G on the coding strand, the complement: JUP is on the minus strand). VCF-style: chr17-41757534-T-C. GRCh37 (hg19) VCF-style: chr17-39913786-T-C.
Other names: c.1927A>G, p.Thr643Ala (NM_021991.4, NM_001352775.2, NM_001352776.2 and 3 more transcripts); short protein forms T643A.
Identifiers: ClinVar variation 1429332 (VCV001429332.8), dbSNP rs2143420466, ClinGen allele CA399492009.